The following is an entry in ClinVar:

NM_001064.4(TKT):c.522G>T (p.Lys174Asn)

Gene: TKT (transketolase; minus strand). Cytogenetic location: 3p21.1.
Variant type: single nucleotide variant.
Coding change: c.522G>T on transcript NM_001064.4 (MANE Select); coding-DNA position 522, G replaced by T.
Protein change: p.Lys174Asn; replaces lysine 174 with asparagine.
Molecular consequence: missense variant.
Genome position (GRCh38, 1-based): chr3:53,235,090, C>A on the plus strand (G>T on the coding strand, the complement: TKT is on the minus strand). VCF-style: chr3-53235090-C-A. GRCh37 (hg19) VCF-style: chr3-53269106-C-A.
Other names: c.522G>T, p.Lys174Asn (NM_001135055.3); c.546G>T, p.Lys182Asn (NM_001258028.2); short protein forms K182N, K174N.
Identifiers: ClinVar variation 5002948 (VCV005002948.1).

ClinVar aggregate classification (germline): Uncertain significance (1 of 4 stars; one submission).

Submission:

OLLIN Analises Genomicas, OLLIN
Classification: Uncertain significance. Last evaluated: 2026-08-06. Review status: criteria provided, single submitter. Criteria: ACMG Guidelines 2015 PMID 25741868. Collection method: clinical testing. Allele origin: germline.
Comment: This missense variant, located in exon 5 (of 14), is absent from gnomAD and ClinVar and has not been identified in the literature. In silico analysis predicts that this variant has a tolerated effect. According to the currently available evidence, this variant has been classified as uncertain significance (PM2_P, BP4_M).